The following is an entry in ClinVar:

NM_020533.3(MCOLN1):c.665C>T (p.Thr222Met)

Gene: MCOLN1 (mucolipin TRP cation channel 1; plus strand). Cytogenetic location: 19p13.2.
Variant type: single nucleotide variant.
Coding change: c.665C>T on transcript NM_020533.3 (MANE Select); coding-DNA position 665, C replaced by T.
Protein change: p.Thr222Met; replaces threonine 222 with methionine.
Molecular consequence: missense variant.
Genome position (GRCh38, 1-based): chr19:7,527,613, C>T. VCF-style: chr19-7527613-C-T. GRCh37 (hg19) VCF-style: chr19-7592499-C-T.
Other names: short protein forms T222M.
Identifiers: ClinVar variation 1424846 (VCV001424846.3), dbSNP rs749863642, ClinGen allele CA9138814.

ClinVar aggregate classification (germline): Uncertain significance (1 of 4 stars; one submission).

Conditions:
Mucolipidosis type IV (ML4). Also called: ML IV. Identifiers: Orphanet 578, MedGen C0238286, MONDO:0009653, OMIM 252650.

Allele frequency attached by ClinVar (database versions not stated): gnomAD 0.00002; gnomAD exomes 0.00002 and 0.00004; TOPMed 0.00003; ExAC 0.00005.
gnomAD v4.1: 29 of 1,612,442 alleles (0.0018%); highest among the groups gnomAD compares: Admixed American, 0.023%; no homozygotes.

Submission:

Labcorp Genetics (formerly Invitae), Labcorp
Classification: Uncertain significance for Mucolipidosis type IV. Last evaluated: 2022-08-22. Review status: criteria provided, single submitter. Criteria: Invitae Variant Classification Sherloc (09022015). Collection method: clinical testing. Allele origin: germline.
Comment: This sequence change replaces threonine, which is neutral and polar, with methionine, which is neutral and non-polar, at codon 222 of the MCOLN1 protein (p.Thr222Met). This variant is present in population databases (rs749863642, gnomAD 0.04%). This variant has not been reported in the literature in individuals affected with MCOLN1-related conditions. ClinVar contains an entry for this variant (Variation ID: 1424846). Algorithms developed to predict the effect of missense changes on protein structure and function are either unavailable or do not agree on the potential impact of this missense change (SIFT: "Deleterious"; PolyPhen-2: "Probably Damaging"; Align-GVGD: "Class C0"). In summary, the available evidence is currently insufficient to determine the role of this variant in disease. Therefore, it has been classified as a Variant of Uncertain Significance.